The following is an entry in ClinVar:

ClinVar aggregate classification (germline): Uncertain significance (1 of 4 stars; one submission).

Conditions:
Progressive myoclonic epilepsy. Also called: Familial progressive myoclonic epilepsy; Myoclonus epilepsy; Progressive myoclonus epilepsy; Myoclonic Epilepsies, Progressive. Identifiers: Orphanet 308, Orphanet 98261, MedGen C0751778, MONDO:0020074.

Allele frequency attached by ClinVar (database versions not stated): gnomAD exomes below 0.00001.
gnomAD v4.1: 2 of 1,614,164 alleles (0.00012%); highest among the groups gnomAD compares: Non-Finnish European, 0.00017%; no homozygotes.

Submission:

Labcorp Genetics (formerly Invitae), Labcorp
Classification: Uncertain significance for Progressive myoclonic epilepsy. Last evaluated: 2022-04-04. Review status: criteria provided, single submitter. Criteria: Invitae Variant Classification Sherloc (09022015). Collection method: clinical testing. Allele origin: germline.
Comment: Algorithms developed to predict the effect of missense changes on protein structure and function (SIFT, PolyPhen-2, Align-GVGD) all suggest that this variant is likely to be tolerated. In summary, the available evidence is currently insufficient to determine the role of this variant in disease. Therefore, it has been classified as a Variant of Uncertain Significance. ClinVar contains an entry for this variant (Variation ID: 658194). This sequence change replaces cysteine, which is neutral and slightly polar, with phenylalanine, which is neutral and non-polar, at codon 458 of the SCARB2 protein (p.Cys458Phe). This variant is not present in population databases (gnomAD no frequency). This variant has not been reported in the literature in individuals affected with SCARB2-related conditions.

NM_005506.4(SCARB2):c.1373G>T (p.Cys458Phe)

Gene: SCARB2 (scavenger receptor class B member 2; minus strand). Cytogenetic location: 4q21.1.
Variant type: single nucleotide variant.
Coding change: c.1373G>T on transcript NM_005506.4 (MANE Select); coding-DNA position 1373, G replaced by T.
Protein change: p.Cys458Phe; replaces cysteine 458 with phenylalanine.
Molecular consequence: missense variant.
Genome position (GRCh38, 1-based): chr4:76,163,250, C>A on the plus strand (G>T on the coding strand, the complement: SCARB2 is on the minus strand). VCF-style: chr4-76163250-C-A. GRCh37 (hg19) VCF-style: chr4-77084403-C-A.
Other names: c.944G>T, p.Cys315Phe (NM_001204255.2); short protein forms C315F, C458F.
Identifiers: ClinVar variation 658194 (VCV000658194.10), dbSNP rs1578712032, ClinGen allele CA357313262.